The following is an entry in ClinVar:

ClinVar aggregate classification (germline): Uncertain significance (1 of 4 stars; one submission).

Conditions:
Cardiovascular phenotype. Identifiers: MedGen CN230736.

Submission:

Ambry Genetics
Classification: Uncertain significance for Cardiovascular phenotype. Last evaluated: 2025-12-11. Review status: criteria provided, single submitter. Criteria: Ambry Variant Classification Scheme 2023. Collection method: clinical testing. Allele origin: germline.
Comment: The p.K2218N variant (also known as c.6654A>C), located in coding exon 2 of the ZNF469 gene, results from an A to C substitution at nucleotide position 6654. The lysine at codon 2218 is replaced by asparagine, an amino acid with similar properties. This amino acid position is conserved. In addition, this alteration is predicted to be tolerated by in silico analysis. Based on the available evidence, the clinical significance of this variant remains unclear.

NM_001127464.1:c.6654A>C

Gene: ZNF469 (zinc finger protein 469; plus strand).
Variant type: single nucleotide variant.
Identifiers: ClinVar variation 4615539 (VCV004615539.1).